The following is an entry in ClinVar:

ClinVar aggregate classification (germline): Uncertain significance (1 of 4 stars; one submission).

Conditions:
Tuberous sclerosis 2 (TSC2). Identifiers: Orphanet 805, MedGen C1860707, MONDO:0013199, OMIM 613254.

Submission:

Labcorp Genetics (formerly Invitae), Labcorp
Classification: Uncertain significance for Tuberous sclerosis 2. Last evaluated: 2026-01-13. Review status: criteria provided, single submitter. Criteria: Invitae Variant Classification Sherloc (09022015). Collection method: clinical testing. Allele origin: germline.
Comment: This sequence change replaces valine, which is neutral and non-polar, with phenylalanine, which is neutral and non-polar, at codon 1414 of the TSC2 protein (p.Val1414Phe). This variant is not present in population databases (gnomAD no frequency). This variant has not been reported in the literature in individuals affected with TSC2-related conditions. Invitae Evidence Modeling of protein sequence and biophysical properties (such as structural, functional, and spatial information, amino acid conservation, physicochemical variation, residue mobility, and thermodynamic stability) indicates that this missense variant is not expected to disrupt TSC2 protein function with a negative predictive value of 95%. In summary, the available evidence is currently insufficient to determine the role of this variant in disease. Therefore, it has been classified as a Variant of Uncertain Significance.

NM_000548.5(TSC2):c.4240G>T (p.Val1414Phe)

Gene: TSC2 (TSC complex subunit 2; plus strand). Cytogenetic location: 16p13.3.
Variant type: single nucleotide variant.
Coding change: c.4240G>T on transcript NM_000548.5 (MANE Select); coding-DNA position 4240, G replaced by T.
Protein change: p.Val1414Phe; replaces valine 1414 with phenylalanine.
Molecular consequence: missense variant. On other transcripts: non-coding transcript variant (5).
Genome position (GRCh38, 1-based): chr16:2,084,462, G>T. VCF-style: chr16-2084462-G-T. GRCh37 (hg19) VCF-style: chr16-2134463-G-T.
Other names: c.3568G>T, p.Val1190Phe (NM_001406684.1); c.3442G>T, p.Val1148Phe (NM_001406685.1, NM_001406686.1); c.3439G>T, p.Val1147Phe (NM_001406687.1, NM_001406688.1); c.2827G>T, p.Val943Phe (NM_001406689.1); c.2767G>T, p.Val923Phe (NM_001406690.1); c.2764G>T, p.Val922Phe (NM_001406691.1); c.2698G>T, p.Val900Phe (NM_001406692.1, NM_001406693.1, NM_001406694.1); c.2695G>T, p.Val899Phe (NM_001406695.1, NM_001406696.1, NM_001406697.1); and 26 more; short protein forms V1147F, V1148F, V1170F, V1190F, V1191F, V1194F, V1214F, V1298F.
Identifiers: ClinVar variation 4802884 (VCV004802884.1).